The following is an entry in ClinVar:

ClinVar aggregate classification (germline): Likely pathogenic (1 of 4 stars; one submission).

Conditions:
Spermatogenic failure 65 (SPGF65). Identifiers: MedGen C5562067, MONDO:0030531, OMIM 619712.

Submission:

SIB Swiss Institute of Bioinformatics
Classification: Likely pathogenic for Spermatogenic failure 65. Last evaluated: 2022-06-20. Review status: criteria provided, single submitter. Criteria: ACMG Guidelines, 2015. Collection method: curation. Allele origin: unknown.
Comment: This variant is interpreted as likely pathogenic for Spermatogenic failure 65, autosomal recessive. The following ACMG Tag(s) were applied: Absent from controls (or at extremely low frequency if recessive) in Exome Sequencing Project, 1000 Genomes Project, or Exome Aggregation Consortium (PM2); For recessive disorders, detected in trans with a pathogenic variant (PM3); Predicted nullvariant in a gene where LOF is a known mechanism of disease (PVS1 downgraded to moderate).

Literature cited by the submitters: PubMed 34932939.

NM_144666.3(DNHD1):c.12453G>A (p.Trp4151Ter)

Gene: DNHD1 (dynein heavy chain domain 1; plus strand). Cytogenetic location: 11p15.4.
Variant type: single nucleotide variant.
Coding change: c.12453G>A on transcript NM_144666.3 (MANE Select); coding-DNA position 12453, G replaced by A.
Protein change: p.Trp4151Ter; replaces tryptophan 4151 with a stop codon.
Molecular consequence: nonsense.
Genome position (GRCh38, 1-based): chr11:6,568,157, G>A. VCF-style: chr11-6568157-G-A. GRCh37 (hg19) VCF-style: chr11-6589387-G-A.
Other names: short protein forms W4151*.
Identifiers: ClinVar variation 1693249 (VCV001693249.1), dbSNP rs2134462764, ClinGen allele CA379404878.